The following is an entry in ClinVar:

ClinVar aggregate classification (germline): Uncertain significance (1 of 4 stars; one submission).

gnomAD v4.1: 1 of 1,612,742 alleles (0.000062%); highest among the groups gnomAD compares: South Asian, 0.0011%; no homozygotes.

Submission:

Labcorp Genetics (formerly Invitae), Labcorp
Classification: Uncertain significance. Last evaluated: 2022-01-18. Review status: criteria provided, single submitter. Criteria: Invitae Variant Classification Sherloc (09022015). Collection method: clinical testing. Allele origin: germline.
Comment: In summary, the available evidence is currently insufficient to determine the role of this variant in disease. Therefore, it has been classified as a Variant of Uncertain Significance. Algorithms developed to predict the effect of missense changes on protein structure and function output the following: SIFT: "Tolerated"; PolyPhen-2: "Benign"; Align-GVGD: "Class C0". The threonine amino acid residue is found in multiple mammalian species, which suggests that this missense change does not adversely affect protein function. This variant has not been reported in the literature in individuals affected with FUK-related conditions. This variant is present in population databases (no rsID available, gnomAD 0.003%). This sequence change replaces alanine, which is neutral and non-polar, with threonine, which is neutral and polar, at codon 345 of the FUK protein (p.Ala345Thr).

NM_145059.3(FCSK):c.1033G>A (p.Ala345Thr)

Gene: FCSK (fucose kinase; plus strand). Cytogenetic location: 16q22.1.
Variant type: single nucleotide variant.
Coding change: c.1033G>A on transcript NM_145059.3 (MANE Select); coding-DNA position 1033, G replaced by A.
Protein change: p.Ala345Thr; replaces alanine 345 with threonine.
Molecular consequence: missense variant.
Genome position (GRCh38, 1-based): chr16:70,470,391, G>A. VCF-style: chr16-70470391-G-A. GRCh37 (hg19) VCF-style: chr16-70504294-G-A.
Other names: short protein forms A345T.
Identifiers: ClinVar variation 2054750 (VCV002054750.4), dbSNP rs1486360353, ClinGen allele CA396567507.